The following is an entry in ClinVar:

NM_002471.4(MYH6):c.898+6C>T

Gene: MYH6 (myosin heavy chain 6; minus strand). Cytogenetic location: 14q11.2.
Variant type: single nucleotide variant.
Coding change: c.898+6C>T on transcript NM_002471.4 (MANE Select); 6 bases into the intron after coding-DNA position 898, C replaced by T.
Molecular consequence: intron variant.
Genome position (GRCh38, 1-based): chr14:23,403,342, G>A on the plus strand (C>T on the coding strand, the complement: MYH6 is on the minus strand). VCF-style: chr14-23403342-G-A. GRCh37 (hg19) VCF-style: chr14-23872551-G-A.
Identifiers: ClinVar variation 407144 (VCV000407144.20), dbSNP rs370158816, ClinGen allele CA7115992.

ClinVar aggregate classification (germline): Conflicting classifications of pathogenicity. Review status: criteria provided, conflicting classifications (1 of 4 stars). 5 submissions from 5 submitters: Uncertain significance (1); Likely benign (4). Last evaluated 2025-10-07.

Conditions:
MYH6-related disorder. Also called: MYH6-Related Disorders; MYH6-related condition.
Hypertrophic cardiomyopathy 14. Identifiers: MedGen C2750467, MONDO:0013197, OMIM 613251.

Allele frequency attached by ClinVar (database versions not stated): 1000 Genomes Project 30x 0.00016; TOPMed 0.00016; 1000 Genomes Project 0.00020; ESP Exome Variant Server 0.00023.
gnomAD v4.1: 30 of 1,612,390 alleles (0.0019%); highest among the groups gnomAD compares: African/African-American, 0.037%; no homozygotes.

Submissions (5):

PreventionGenetics, part of Exact Sciences
Classification: Likely benign for MYH6-related condition. Last evaluated: 2025-10-07. Review status: criteria provided, single submitter. Criteria: ACMG Guidelines, 2015. Collection method: clinical testing. Allele origin: germline.
Comment: This variant is classified as likely benign based on ACMG/AMP sequence variant interpretation guidelines (Richards et al. 2015 PMID: 25741868, with internal and published modifications).

Labcorp Genetics (formerly Invitae), Labcorp
Classification: Uncertain significance for Hypertrophic cardiomyopathy 14. Last evaluated: 2025-08-19. Review status: criteria provided, single submitter. Criteria: Invitae Variant Classification Sherloc (09022015). Collection method: clinical testing. Allele origin: germline.
Comment: This sequence change falls in intron 10 of the MYH6 gene. It does not directly change the encoded amino acid sequence of the MYH6 protein. It affects a nucleotide within the consensus splice site. This variant is present in population databases (rs370158816, gnomAD 0.05%). This variant has not been reported in the literature in individuals affected with MYH6-related conditions. ClinVar contains an entry for this variant (Variation ID: 407144). Variants that disrupt the consensus splice site are a relatively common cause of aberrant splicing (PMID: 17576681, 9536098). Algorithms developed to predict the effect of sequence changes on RNA splicing suggest that this variant is not likely to affect RNA splicing. In summary, the available evidence is currently insufficient to determine the role of this variant in disease. Therefore, it has been classified as a Variant of Uncertain Significance.

ARUP Laboratories, Molecular Genetics and Genomics, ARUP Laboratories
Classification: Likely benign. Last evaluated: 2020-10-20. Review status: criteria provided, single submitter. Criteria: ARUP Molecular Germline Variant Investigation Process 2021. Collection method: clinical testing. Allele origin: germline.

Blueprint Genetics
Classification: Likely benign. Last evaluated: 2018-12-28. Review status: criteria provided, single submitter. Criteria: ACMG Guidelines, 2015. Collection method: clinical testing. Allele origin: germline.

GeneDx
Classification: Likely benign. Last evaluated: 2017-05-31. Review status: criteria provided, single submitter. Criteria: GeneDx Variant Classification (06012015). Collection method: clinical testing. Allele origin: germline. Affected: yes.
Comment: This variant is considered likely benign or benign based on one or more of the following criteria: it is a conservative change, it occurs at a poorly conserved position in the protein, it is predicted to be benign by multiple in silico algorithms, and/or has population frequency not consistent with disease.

Literature cited by the submitters: PubMed 17576681 (cited by Labcorp Genetics (formerly Invitae), Labcorp); PubMed 9536098 (cited by Labcorp Genetics (formerly Invitae), Labcorp).